The following is an entry in ClinVar:

ClinVar aggregate classification (germline): Uncertain significance (1 of 4 stars; one submission).

Conditions:
Cataract 21 multiple types. Also called: Cataract, congenital, cerulean type, 4; CATARACT 21, MULTIPLE TYPES, WITH OR WITHOUT MICROCORNEA; CATARACT 21, CERULEAN, WITH OR WITHOUT MICROCORNEA; CATARACT 21, MULTIPLE TYPES, WITH MICROCORNEA. Identifiers: Orphanet 91492, MedGen C1857768, MONDO:0012437, OMIM 610202.
Ayme-Gripp syndrome. Also called: Aymé-Gripp Syndrome. Identifiers: MedGen C1832812, MONDO:0010992, OMIM 601088.

Submission:

Labcorp Genetics (formerly Invitae), Labcorp
Classification: Uncertain significance for Cataract 21 multiple types; Ayme-Gripp syndrome. Last evaluated: 2024-11-11. Review status: criteria provided, single submitter. Criteria: Invitae Variant Classification Sherloc (09022015). Collection method: clinical testing. Allele origin: germline.
Comment: This variant, c.693_701dup, results in the insertion of 3 amino acid(s) of the MAF protein (p.Gly236_Gly238dup), but otherwise preserves the integrity of the reading frame. The frequency data for this variant in the population databases is considered unreliable, as metrics indicate insufficient coverage at this position in the gnomAD database. This variant has not been reported in the literature in individuals affected with MAF-related conditions. Experimental studies and prediction algorithms are not available or were not evaluated, and the functional significance of this variant is currently unknown. In summary, the available evidence is currently insufficient to determine the role of this variant in disease. Therefore, it has been classified as a Variant of Uncertain Significance.

NM_005360.5(MAF):c.678CGG[11] (p.Gly238_Ala239insGlyGlyGly)

Gene: MAF (MAF bZIP transcription factor; minus strand). Cytogenetic location: 16q23.2.
Variant type: Microsatellite.
Coding change: c.678CGG[11] on transcript NM_005360.5 (MANE Select); 11 copies in a row of the 3-base unit CGG starting at c.678; the reference has eight copies in a row; three copies, 9 bases duplicated.
Protein change: p.Gly238_Ala239insGlyGlyGly.
Molecular consequence: inframe insertion.
Genome position (GRCh38, 1-based): chr16:79,599,202-79,599,210, CCGCCGCCG duplicated on the plus strand (CGGCGGCGG on the coding strand, the reverse complement: MAF is on the minus strand); duplicating any 9 consecutive bases within chr16:79,599,202-79,599,227 gives the same sequence; the position shown is the placement nearest the transcript's 3' end. VCF-style (leftmost placement, unchanged base first): chr16-79599201-T-TCCGCCGCCG. GRCh37 (hg19) VCF-style: chr16-79633098-T-TCCGCCGCCG.
Other names: c.678CGG[11], p.Gly238_Ala239insGlyGlyGly (NM_001031804.3).
Identifiers: ClinVar variation 2923011 (VCV002923011.3), dbSNP rs887468453, ClinGen allele CA284128331.
Genomic context (GRCh38, chr16:79,599,201, plus strand): 5'-GCCGCCGGCGGCGTGGTGCGGGTGCAGGGCGCCCCCCGCCCCCGCCGCGCCCCCGCCGCC[T>TCCGCCGCCG]CCGCCGCCGCCGCCGCCGCCGCCGCCCCCAGCGCTGGCCGGGCCACCGCCGCCCGCGCCC-3'